The following is an entry in ClinVar:

ClinVar aggregate classification (germline): Likely pathogenic (1 of 4 stars; one submission).

Conditions:
Congenital myasthenic syndrome 17. Identifiers: Orphanet 590, MedGen C4225377, MONDO:0014578, OMIM 616304.
Cenani-Lenz syndactyly syndrome. Also called: CENANI SYNDACTYLISM; SYNDACTYLY, TYPE VII. Identifiers: Orphanet 3258, MedGen C1859309, MONDO:0008931, OMIM 212780.
Sclerosteosis 2 (SOST2). Identifiers: Orphanet 3152, MedGen C3280402, MONDO:0013679, OMIM 614305.

Submission:

Labcorp Genetics (formerly Invitae), Labcorp
Classification: Likely pathogenic for Cenani-Lenz syndactyly syndrome; Sclerosteosis 2; Congenital myasthenic syndrome 17. Last evaluated: 2025-10-15. Review status: criteria provided, single submitter. Criteria: Invitae Variant Classification Sherloc (09022015). Collection method: clinical testing. Allele origin: germline.
Comment: This sequence change affects an acceptor splice site in intron 6 of the LRP4 gene. It is expected to disrupt RNA splicing. Variants that disrupt the donor or acceptor splice site typically lead to a loss of protein function (PMID: 16199547), and loss-of-function variants in LRP4 are known to be pathogenic (PMID: 23636941, 24924585). This variant is not present in population databases (gnomAD no frequency). This variant has not been reported in the literature in individuals affected with LRP4-related conditions. Algorithms developed to predict the effect of sequence changes on RNA splicing suggest that this variant may disrupt the consensus splice site. In summary, the currently available evidence indicates that the variant is pathogenic, but additional data are needed to prove that conclusively. Therefore, this variant has been classified as Likely Pathogenic.

Literature cited by the submitters: PubMed 16199547; PubMed 23636941; PubMed 24924585.

NM_002334.4(LRP4):c.677-2A>C

Gene: LRP4 (LDL receptor related protein 4; minus strand). Cytogenetic location: 11p11.2.
Variant type: single nucleotide variant.
Coding change: c.677-2A>C on transcript NM_002334.4 (MANE Select); the canonical splice acceptor site of the intron before coding-DNA position 677, A replaced by C.
Molecular consequence: splice acceptor variant.
Genome position (GRCh38, 1-based): chr11:46,898,679, T>G on the plus strand (A>C on the coding strand, the complement: LRP4 is on the minus strand). VCF-style: chr11-46898679-T-G. GRCh37 (hg19) VCF-style: chr11-46920230-T-G.
Identifiers: ClinVar variation 4786391 (VCV004786391.1).